The following is an entry in ClinVar:

NM_139058.3(ARX):c.1471dup (p.Leu491fs)

Gene: ARX (aristaless related homeobox; minus strand). Cytogenetic location: Xp21.3.
Variant type: Duplication.
Coding change: c.1471dup on transcript NM_139058.3 (MANE Select); coding-DNA position 1471, one base duplicated (C; older notation c.1471dupC).
Protein change: p.Leu491fs; shifts the reading frame from leucine 491.
Molecular consequence: frameshift variant.
Genome position (GRCh38, 1-based): chrX:25,004,888, G duplicated on the plus strand (C on the coding strand, the reverse complement: ARX is on the minus strand); the first of 6 consecutive G bases (chrX:25,004,888-25,004,893); duplicating any one gives the same sequence. VCF-style (leftmost placement, unchanged base first): chrX-25004887-A-AG. GRCh37 (hg19) VCF-style: chrX-25023004-A-AG.
Other names: short protein forms L491fs.
Identifiers: ClinVar variation 210321 (VCV000210321.43), dbSNP rs797045292, ClinGen allele CA213346.

ClinVar aggregate classification (germline): Pathogenic/Likely pathogenic. Review status: criteria provided, multiple submitters, no conflicts (2 of 4 stars). 4 submissions from 4 submitters: Pathogenic (3); Likely pathogenic (1). Last evaluated 2023-09-21.

Conditions:
ARX-related disorder. Also called: ARX-related condition; ARX-Related Disorders. Identifiers: MedGen CN378769.
X-linked lissencephaly with abnormal genitalia. Identifiers: Orphanet 452, MedGen C1846171, MONDO:0010268, OMIM 300215.

Submissions (4):

GeneDx
Classification: Likely pathogenic. Last evaluated: 2023-09-21. Review status: criteria provided, single submitter. Criteria: GeneDx Variant Classification Process June 2021. Collection method: clinical testing. Allele origin: germline. Affected: yes.
Comment: Frameshift variant in the C-terminus predicted to result in protein truncation, as the last 72 amino acids are lost and replaced with 40 incorrect amino acids; Not observed in large population cohorts (gnomAD); This variant is associated with the following publications: (PMID: 21426321)

CeGaT Center for Human Genetics Tuebingen
Classification: Pathogenic. Last evaluated: 2021-11-01. Review status: criteria provided, single submitter. Criteria: CeGaT Center For Human Genetics Tuebingen Variant Classification Criteria Version 2. Collection method: clinical testing. Allele origin: germline. Affected: yes. Observed: 1 variant allele.

Blueprint Genetics
Classification: Pathogenic for ARX-related disorders. Last evaluated: 2018-10-05. Review status: criteria provided, single submitter. Criteria: ACMG Guidelines, 2015. Collection method: clinical testing. Allele origin: germline. Affected: yes. Observed: 1 variant allele.

Genetic Services Laboratory, University of Chicago
Classification: Pathogenic for Lissencephaly, X-linked 2. Last evaluated: 2014-11-17. Review status: criteria provided, single submitter. Criteria: ACMG Guidelines, 2015. Collection method: clinical testing. Allele origin: germline. Affected: yes.